The following is an entry in ClinVar:

NM_001277115.2(DNAH11):c.127G>T (p.Glu43Ter)

Gene: DNAH11 (dynein axonemal heavy chain 11; plus strand). Cytogenetic location: 7p15.3.
Variant type: single nucleotide variant.
Coding change: c.127G>T on transcript NM_001277115.2 (MANE Select); coding-DNA position 127, G replaced by T.
Protein change: p.Glu43Ter; replaces glutamic acid 43 with a stop codon.
Molecular consequence: nonsense.
Genome position (GRCh38, 1-based): chr7:21,543,372, G>T. VCF-style: chr7-21543372-G-T. GRCh37 (hg19) VCF-style: chr7-21582990-G-T.
Other names: short protein forms E43*.
Identifiers: ClinVar variation 3687647 (VCV003687647.2).

ClinVar aggregate classification (germline): Pathogenic (1 of 4 stars; one submission).

Conditions:
Primary ciliary dyskinesia. Also called: Ciliary dyskinesia. Identifiers: Orphanet 244, MedGen C0008780, MONDO:0016575, HP:0012265.

Submission:

Labcorp Genetics (formerly Invitae), Labcorp
Classification: Pathogenic for Primary ciliary dyskinesia. Last evaluated: 2024-05-22. Review status: criteria provided, single submitter. Criteria: Invitae Variant Classification Sherloc (09022015). Collection method: clinical testing. Allele origin: germline.
Comment: This sequence change creates a premature translational stop signal (p.Glu43*) in the DNAH11 gene. It is expected to result in an absent or disrupted protein product. Loss-of-function variants in DNAH11 are known to be pathogenic (PMID: 18022865, 20513915, 22184204). This variant is not present in population databases (gnomAD no frequency). This variant has not been reported in the literature in individuals affected with DNAH11-related conditions. For these reasons, this variant has been classified as Pathogenic.

Literature cited by the submitters: PubMed 18022865; PubMed 20513915; PubMed 22184204.